The following is an entry in ClinVar:

NM_176787.5(PIGN):c.548_549+6del

Gene: PIGN (phosphatidylinositol glycan anchor biosynthesis class N; minus strand). Cytogenetic location: 18q21.33.
Variant type: Deletion.
Coding change: c.548_549+6del on transcript NM_176787.5 (MANE Select); coding-DNA position 548 through 6 bases into the intron after coding-DNA position 549, 8 bases deleted (AGGTTTGT; older notation c.548_549+6delAGGTTTGT).
Molecular consequence: splice donor variant.
Genome position (GRCh38, 1-based): chr18:62,154,539-62,154,546, ACAAACCT deleted on the plus strand (AGGTTTGT on the coding strand, the reverse complement: PIGN is on the minus strand). VCF-style (leftmost placement, unchanged base first): chr18-62154538-CACAAACCT-C. GRCh37 (hg19) VCF-style: chr18-59821771-CACAAACCT-C.
Other names: 548_549+6DEL; c.548_549+6delAGGTTTGT (NM_176787.5); c.548_549+6del (NM_012327.6).
Identifiers: ClinVar variation 264637 (VCV000264637.32), dbSNP rs779636222, ClinGen allele CA8982559.

ClinVar aggregate classification (germline): Pathogenic/Likely pathogenic. Review status: criteria provided, multiple submitters, no conflicts (2 of 4 stars). 11 submissions from 11 submitters: Pathogenic (9); Likely pathogenic (1). 1 of the submissions does not count toward it. Last evaluated 2026-06-24.

Conditions:
Multiple congenital anomalies-hypotonia-seizures syndrome. Identifiers: Orphanet 280633, MedGen C5191419, MONDO:0100247.
Fetal anomalies with a likely genetic cause.
PIGN-related disorder. Also called: PIGN-related condition.
Inborn genetic diseases. Identifiers: MedGen C0950123, MeSH D030342.
Multiple congenital anomalies-hypotonia-seizures syndrome 1 (MCAHS1). Also called: GLYCOSYLPHOSPHATIDYLINOSITOL BIOSYNTHESIS DEFECT 3; PIGN-CDG; Congenital disorder of glycosylation due to PIGN deficiency. Identifiers: Orphanet 280633, MedGen C3279775, MONDO:0013563, OMIM 614080.

Allele frequency attached by ClinVar (database versions not stated): gnomAD 0.00010 and 0.00011; ExAC 0.00011; gnomAD exomes 0.00013 and 0.00035; TOPMed 0.00014; ESP Exome Variant Server 0.00018.

Submissions (11):

Genetics Laboratory, Great Ormond Street Hospital NHS Foundation Trust, North Thames Genomic Laboratory Hub
Classification: Pathogenic for Fetal anomalies with a likely genetic cause. Last evaluated: 2026-06-24. Review status: criteria provided, single submitter. Criteria: ACGS Best Practice Guidelines for Variant Classification in Rare Disease 2024 v1.2. Collection method: clinical testing. Allele origin: germline. Affected: yes.
Comment: PVS1_very-strong, PM3_moderate

Ambry Genetics
Classification: Pathogenic for Inborn genetic diseases. Last evaluated: 2026-02-23. Review status: criteria provided, single submitter. Criteria: Ambry Variant Classification Scheme 2023. Collection method: clinical testing. Allele origin: germline.
Comment: The c.548_549+6delAGGTTTGT alteration is located in between Exon 7 and Intron 7 (E) of the PIGN gene. This alteration consists of a deletion of 8 nucleotides between nucleotide positions c.548 and c.549+6 between Exon 7 and Intron 7 (E). Variants that disrupt the canonical splice site are expected to cause aberrant splicing, resulting in an abnormal protein or a transcript that is subject to nonsense-mediated mRNA decay. Based on data from gnomAD, this allele has an overall frequency of 0.013% (36/276898) total alleles studied. This variant has been identified in the homozygous state and/or in conjunction with other PIGN variant(s) in individual(s) with features consistent with PIGN-related glycosylphosphatidylinositol deficiency; in at least one instance, the variants were identified in trans (Fleming, 2016; Quinlan-Jones, 2019; Bayat, 2022; Scheffer, 2023). Based on the BDGP splice site in silico tool, this alteration is predicted to abolish the native splice donor site; however, direct evidence is unavailable. Based on the available evidence, this alteration is classified as pathogenic.

Variantyx, Inc.
Classification: Pathogenic for Multiple congenital anomalies-hypotonia-seizures syndrome 1. Last evaluated: 2025-11-26. Review status: criteria provided, single submitter. Criteria: Variantyx Assertion Criteria 2022. Collection method: clinical testing. Allele origin: germline. Inheritance: Autosomal recessive inheritance. Affected: no.
Comment: This is a deletion variant that destroys a canonical splice site in the PIGN gene (OMIM: 606097). Pathogenic variants in this gene have been associated with autosomal recessive multiple congenital anomalies-hypotonia-seizures syndrome 1. This splicing variant is expected to result in loss of function, which is a known disease mechanism for PIGN in this disorder (PMID: 24253414, 27038415) (PVS1). This variant has been identified in the homozygous or compound heterozygous state in at least 2 individuals reported in the published literature (PMID: 26394714, 30293990) (PM3_Strong). It has a 0.0446% maximum allele frequency in non-founder control populations (PM2). Based on the current evidence, this variant is classified as pathogenic for autosomal recessive multiple congenital anomalies-hypotonia-seizures syndrome 1.

Labcorp Genetics (formerly Invitae), Labcorp
Classification: Pathogenic for Multiple congenital anomalies-hypotonia-seizures syndrome 1. Last evaluated: 2025-08-29. Review status: criteria provided, single submitter. Criteria: Invitae Variant Classification Sherloc (09022015). Collection method: clinical testing. Allele origin: germline.
Comment: This variant results in the deletion of part of exon 7 (c.548_549+6del) of the PIGN gene. It is expected to disrupt RNA splicing. Variants that disrupt the donor or acceptor splice site typically lead to a loss of protein function (PMID: 16199547), and loss-of-function variants in PIGN are known to be pathogenic (PMID: 24253414, 27038415). This variant is present in population databases (rs779636222, gnomAD 0.03%). This variant has been observed in individual(s) with clinical features of multiple congenital anomalies-hypotonia-seizures syndrome (PMID: 26394714, 30293990, 30609409). In at least one individual the data is consistent with being in trans (on the opposite chromosome) from a pathogenic variant. ClinVar contains an entry for this variant (Variation ID: 264637). For these reasons, this variant has been classified as Pathogenic.

Johns Hopkins Genomics, Johns Hopkins University
Classification: Pathogenic for Multiple congenital anomalies-hypotonia-seizures syndrome 1. Last evaluated: 2024-01-25. Review status: criteria provided, single submitter. Criteria: ACMG Guidelines, 2015. Collection method: clinical testing. Allele origin: germline.
Comment: This PIGN variant (rs779636222) is rare (<0.1%) in a large population dataset (gnomAD: 36/276898 total alleles; 0.013%; no homozygotes) and has an entry in ClinVar. It has been reported in one individual with multiple congenital anomalies-hypotonia-seizures syndrome in a compound heterozygous state with another pathogenic variant. This 8-bp deletion (ACAAACCT) covers two coding nucleotides and six intronic nucleotides, including the canonical splice donor site and is predicted to cause aberrant pre-mRNA splicing. We consider c.548_549+6del to be pathogenic for autosomal recessive multiple congenital anomalies-hypotonia-seizures syndrome-1.

Blueprint Genetics
Classification: Pathogenic for PIGN-related disorders. Last evaluated: 2023-12-28. Review status: criteria provided, single submitter. Criteria: ACMG Guidelines, 2015. Collection method: clinical testing. Allele origin: germline. Affected: yes. Observed: 5 variant alleles.

GeneDx
Classification: Pathogenic. Last evaluated: 2022-09-26. Review status: criteria provided, single submitter. Criteria: GeneDx Variant Classification Process June 2021. Collection method: clinical testing. Allele origin: germline. Affected: yes.
Comment: Canonical splice site variant predicted to result in a null allele in a gene for which loss-of-function is a known mechanism of disease; This variant is associated with the following publications: (PMID: 27038415, 24253414, 26394714, 30609409, 30293990)

Revvity Omics, Revvity
Classification: Pathogenic for Multiple congenital anomalies-hypotonia-seizures syndrome 1. Last evaluated: 2021-06-23. Review status: criteria provided, single submitter. Criteria: ACMG Guidelines, 2015. Collection method: clinical testing. Allele origin: germline.

Eurofins Ntd Llc (ga)
Classification: Pathogenic. Last evaluated: 2017-04-26. Review status: criteria provided, single submitter. Criteria: EGL Classification Definitions 2015. Collection method: clinical testing. Allele origin: germline. Observed: 1 variant allele, 1 heterozygote.

Laboratory for Molecular Medicine, Mass General Brigham Personalized Medicine
Classification: Likely pathogenic for Multiple congenital anomalies-hypotonia-seizures syndrome 1. Last evaluated: 2016-05-10. Review status: criteria provided, single submitter. Criteria: LMM Criteria. Collection method: clinical testing. Allele origin: germline. Inheritance: Autosomal recessive inheritance. Observed: 1 variant allele.
Comment: The c.548_549+6delAGGTTTGT variant in PIGN has been reported in one patient with multiple congenital anomalies-hypotonia-seizures syndrome in a compound heteroz ygous state (Fleming 2016) and has been identified in 13/120594 chromosomes by t he Exome Aggregation Consortium (ExAC). Although this variant has been seen in the general population, its frequency is low enou gh to be consistent with a recessive carrier frequency. This deletion encompasse s the invariant region (+/- 1,2) of the splice consensus sequence and is predict ed to cause altered splicing leading to an abnormal or absent protein. Biallelic loss of function of the PIGN gene has been associated with multiple congenital anomalies-hypotonia-seizures syndrome. In summary, although additional studies a re required to fully establish its clinical significance, the c.548_549+6del var iant in PIGN is likely pathogenic.

OMIM
Classification: Pathogenic for MULTIPLE CONGENITAL ANOMALIES-HYPOTONIA-SEIZURES SYNDROME 1. Last evaluated: 2016-09-28. Review status: no assertion criteria provided. Collection method: literature only. Allele origin: germline. Not counted in ClinVar's aggregate classification.

Literature cited by the submitters: PubMed 26394714 (cited by 6 submitters); PubMed 30293990 (cited by 3 submitters); PubMed 35179230 (cited by Ambry Genetics); PubMed 35701389 (cited by Ambry Genetics); PubMed 24253414 (cited by 3 submitters); PubMed 27038415 (cited by 3 submitters); PubMed 16199547 (cited by Variantyx, Inc. and Labcorp Genetics (formerly Invitae), Labcorp); PubMed 30609409 (cited by Labcorp Genetics (formerly Invitae), Labcorp); PubMed 26364997 (cited by Johns Hopkins Genomics, Johns Hopkins University).